The following is an entry in ClinVar:

NM_001308068.2(FLYWCH1):c.1341G>A (p.Lys447=)

Gene: FLYWCH1 (FLYWCH-type zinc finger 1; plus strand). Cytogenetic location: 16p13.3.
Variant type: single nucleotide variant.
Coding change: c.1341G>A on transcript NM_001308068.2 (MANE Select); coding-DNA position 1341, G replaced by A.
Protein change: p.Lys447=; no amino-acid change (lysine 447 retained).
Molecular consequence: synonymous variant.
Genome position (GRCh38, 1-based): chr16:2,933,807, G>A. VCF-style: chr16-2933807-G-A. GRCh37 (hg19) VCF-style: chr16-2983808-G-A.
Other names: c.1338G>A, p.Lys446= (NM_020912.2, NM_032296.3).
Identifiers: ClinVar variation 2646089 (VCV002646089.24), dbSNP rs781769133, ClinGen allele CA7852115.
Genomic context (GRCh38, chr16:2,933,807, plus strand): 5'-GGGCAGCTTCCTGGTGTACGAGTCCTTCCTCTACCGGCGGGAGAAGGCGGCTGGGGAGAA[G>A]GTGTATTGGACCTGCCGGGACCAGGCCCGCATGGGCTGCCGCAGCCGCGCCATCACCCAG-3'
Protein context (NP_001294997.1, residues 437-457): LYRREKAAGE[Lys447=]VYWTCRDQAR

ClinVar aggregate classification (germline): Likely benign (1 of 4 stars; one submission).

Allele frequency attached by ClinVar (database versions not stated): TOPMed below 0.00001; ExAC 0.00001; gnomAD exomes 0.00001; gnomAD 0.00004.
gnomAD v4.1: 25 of 1,608,964 alleles (0.0016%); highest among the groups gnomAD compares: South Asian, 0.021%; no homozygotes.

Submission:

CeGaT Center for Human Genetics Tuebingen
Classification: Likely benign. Last evaluated: 2022-06-01. Review status: criteria provided, single submitter. Criteria: CeGaT Center For Human Genetics Tuebingen Variant Classification Criteria Version 2. Collection method: clinical testing. Allele origin: germline. Affected: yes. Observed: 1 variant allele.
Comment: FLYWCH1: BP4, BP7